The following is an entry in ClinVar:

NM_017934.7(PHIP):c.3142G>A (p.Val1048Ile)

Genes: IRAK1BP1 (interleukin 1 receptor associated kinase 1 binding protein 1; plus strand), PHIP (PHIP subunit of CUL4-Ring ligase complex; minus strand). Cytogenetic location: 6q14.1.
Variant type: single nucleotide variant.
Coding change: c.3142G>A on transcript NM_017934.7 (MANE Select); coding-DNA position 3142, G replaced by A.
Protein change: p.Val1048Ile; replaces valine 1048 with isoleucine.
Molecular consequence: missense variant.
Genome position (GRCh38, 1-based): chr6:78,969,898, C>T on the plus strand (G>A on the coding strand, the complement: PHIP is on the minus strand). VCF-style: chr6-78969898-C-T. GRCh37 (hg19) VCF-style: chr6-79679615-C-T.
Other names: short protein forms V1048I.
Identifiers: ClinVar variation 2428907 (VCV002428907.2), dbSNP rs2481893193, ClinGen allele CA364647710.

ClinVar aggregate classification (germline): Uncertain significance (1 of 4 stars; one submission).

Allele frequency attached by ClinVar (database versions not stated): gnomAD exomes below 0.00001.
gnomAD v4.1: 1 of 1,600,252 alleles (0.000062%); highest among the groups gnomAD compares: Non-Finnish European, 0.000086%; no homozygotes.

Submission:

GeneDx
Classification: Uncertain significance. Last evaluated: 2022-08-05. Review status: criteria provided, single submitter. Criteria: GeneDx Variant Classification Process June 2021. Collection method: clinical testing. Allele origin: germline. Affected: yes.
Comment: Not observed at significant frequency in large population cohorts (gnomAD); In silico analysis supports that this missense variant does not alter protein structure/function; Has not been previously published as pathogenic or benign to our knowledge